The following is an entry in ClinVar:

ClinVar aggregate classification (germline): Likely pathogenic. Review status: criteria provided, multiple submitters, no conflicts (2 of 4 stars). 4 submissions from 4 submitters: Likely pathogenic (4). Last evaluated 2025-11-18.

Conditions:
Smith-Lemli-Opitz syndrome (SLOS). Also called: 7-Dehydrocholesterol reductase deficiency; POLYDACTYLY, SEX REVERSAL, RENAL HYPOPLASIA, AND UNILOBAR LUNG; RSH SYNDROME; RUTLEDGE LETHAL MULTIPLE CONGENITAL ANOMALY SYNDROME; LETHAL ACRODYSGENITAL SYNDROME. Identifiers: Orphanet 818, MedGen C0175694, MONDO:0010035, OMIM 270400.

Submissions (4):

Genetics Laboratory, Great Ormond Street Hospital NHS Foundation Trust, North Thames Genomic Laboratory Hub
Classification: Likely pathogenic for Smith-Lemli-Opitz syndrome. Last evaluated: 2025-11-18. Review status: criteria provided, single submitter. Criteria: ACGS Best Practice Guidelines for Variant Classification in Rare Disease 2024 v1.2. Collection method: clinical testing. Allele origin: germline. Affected: yes.
Comment: PM2_moderate, PVS1_strong, PM3_supporting, PP4_supporting

Natera, Inc.
Classification: Likely pathogenic for Smith-Lemli-Opitz syndrome. Last evaluated: 2024-12-30. Review status: criteria provided, single submitter. Criteria: Natera Variant Classification Schema (03/2026). Collection method: clinical testing. Allele origin: germline.
Comment: The c.98+2_98+6delTAAGG variant in DHCR7 is a canonical splice donor site variant predicted to affect pre-mRNA splicing, which may result in an abnormal transcript and altered protein product. This variant is expected to result in nonsense mediated decay, truncation, or a dysfunctional protein product. This variant is rare in the general population with a frequency below the threshold expected for the associated phenotype(s). Given the available evidence, this variant is classified as Likely Pathogenic.

Labcorp Genetics (formerly Invitae), Labcorp
Classification: Likely pathogenic for Smith-Lemli-Opitz syndrome. Last evaluated: 2022-10-01. Review status: criteria provided, single submitter. Criteria: Invitae Variant Classification Sherloc (09022015). Collection method: clinical testing. Allele origin: germline.
Comment: In summary, the currently available evidence indicates that the variant is pathogenic, but additional data are needed to prove that conclusively. Therefore, this variant has been classified as Likely Pathogenic. Algorithms developed to predict the effect of sequence changes on RNA splicing suggest that this variant may disrupt the consensus splice site. This sequence change affects a splice site in intron 3 of the DHCR7 gene. It is expected to disrupt RNA splicing. Variants that disrupt the donor or acceptor splice site typically lead to a loss of protein function (PMID: 16199547), and loss-of-function variants in DHCR7 are known to be pathogenic (PMID: 9634533, 10677299). This variant is present in population databases (no rsID available, gnomAD 0.002%). Disruption of this splice site has been observed in individual(s) with Smith–Lemli–Opitz syndrome (PMID: 23042628, 25734025). ClinVar contains an entry for this variant (Variation ID: 961893).

Women's Health and Genetics/Laboratory Corporation of America, LabCorp
Classification: Likely pathogenic for Smith-Lemli-Opitz syndrome. Last evaluated: 2021-04-20. Review status: criteria provided, single submitter. Criteria: LabCorp Variant Classification Summary - May 2015. Collection method: clinical testing. Allele origin: germline.
Comment: Variant summary: DHCR7 c.98+2_98+6delTAAGG is located in a canonical splice-site and is predicted to affect mRNA splicing resulting in a significantly altered protein due to either exon skipping, shortening, or inclusion of intronic material. Several computational tools predict a significant impact on normal splicing: Four predict the variant abolishes the canonical 5' splicing donor site. However, these predictions have yet to be confirmed by functional studies. The variant allele was found at a frequency of 4e-06 in 251496 control chromosomes. c.98+2_98+6delTAAGG has been reported in the literature in at-least one individual affected with Smith-Lemli-Opitz Syndrome and has been subsequently cited by others (example, Waterham_2012, Bianconi_2015). These data do not allow any conclusion about variant significance. To our knowledge, no experimental evidence demonstrating an impact on protein function has been reported. One clinical diagnostic laboratory has submitted clinical-significance assessments for this variant to ClinVar after 2014 and classified the variant as likely pathogenic citing an overlapping evidence utilized in the context of this evaluation. Based on the evidence outlined above, the variant was classified as likely pathogenic.

Literature cited by the submitters: PubMed 16199547 (cited by Labcorp Genetics (formerly Invitae), Labcorp); PubMed 9634533 (cited by Labcorp Genetics (formerly Invitae), Labcorp); PubMed 10677299 (cited by Labcorp Genetics (formerly Invitae), Labcorp); PubMed 23042628 (cited by Labcorp Genetics (formerly Invitae), Labcorp and Women's Health and Genetics/Laboratory Corporation of America, LabCorp); PubMed 25734025 (cited by Labcorp Genetics (formerly Invitae), Labcorp and Women's Health and Genetics/Laboratory Corporation of America, LabCorp).

NM_001360.3(DHCR7):c.98+2_98+6del

Gene: DHCR7 (7-dehydrocholesterol reductase; minus strand). Cytogenetic location: 11q13.4.
Variant type: Deletion.
Coding change: c.98+2_98+6del on transcript NM_001360.3 (MANE Select); the canonical splice donor site of the intron after coding-DNA position 98 through 6 bases into the intron after coding-DNA position 98, 5 bases deleted (TAAGG; older notation c.98+2_98+6delTAAGG).
Molecular consequence: splice donor variant.
Genome position (GRCh38, 1-based): chr11:71,444,849-71,444,853, CCTTA deleted on the plus strand (TAAGG on the coding strand, the reverse complement: DHCR7 is on the minus strand); deleting any 5 consecutive bases within chr11:71,444,849-71,444,855 gives the same sequence; the c. name uses the placement nearest the transcript's 3' end. VCF-style (leftmost placement, unchanged base first): chr11-71444848-TCCTTA-T. GRCh37 (hg19) VCF-style: chr11-71155894-TCCTTA-T.
Other names: c.98+2_98+6del (NM_001163817.2); c.98+2_98+6delTAAGG (NM_001360.2).
Identifiers: ClinVar variation 961893 (VCV000961893.12), dbSNP rs1301873688, ClinGen allele CA600040229.